The following continues an entry in ClinVar:

NM_004415.4(DSP):c.3562T>C (p.Tyr1188His)

Gene: DSP. ClinVar aggregate classification (germline): Conflicting classifications of pathogenicity. Uncertain significance (13); Likely benign (2).

Submissions 11 to 19 of 19:

Baylor Genetics
Classification: Uncertain significance for Arrhythmogenic right ventricular dysplasia 8. Last evaluated: 2018-12-14. Review status: criteria provided, single submitter. Criteria: ACMG Guidelines, 2015. Collection method: clinical testing. Allele origin: paternal. Affected: yes.
Comment: This variant was determined to be of uncertain significance according to ACMG Guidelines, 2015 [PMID:25741868].

Illumina Laboratory Services, Illumina
Classification: Uncertain significance for Arrhythmogenic cardiomyopathy with wooly hair and keratoderma. Last evaluated: 2018-01-12. Review status: criteria provided, single submitter. Criteria: ICSL Variant Classification Criteria 13 December 2019. Collection method: clinical testing. Allele origin: germline.

Illumina Laboratory Services, Illumina
Classification: Uncertain significance for Arrhythmogenic right ventricular dysplasia 8. Last evaluated: 2018-01-12. Review status: criteria provided, single submitter. Criteria: ICSL Variant Classification Criteria 13 December 2019. Collection method: clinical testing. Allele origin: germline.

Illumina Laboratory Services, Illumina
Classification: Uncertain significance for Lethal acantholytic epidermolysis bullosa. Last evaluated: 2018-01-12. Review status: criteria provided, single submitter. Criteria: ICSL Variant Classification Criteria 13 December 2019. Collection method: clinical testing. Allele origin: germline.

Biesecker Lab/Clinical Genomics Section, National Institutes of Health
Classification: Uncertain significance. Last evaluated: 2013-06-24. Review status: criteria provided, single submitter. Criteria: Ng et al. (Circ Cardiovasc Genet. 2013). Collection method: research. Allele origin: unknown. Observed: 1 variant allele. Study: ClinSeq.
Comment: The study set was not selected for affection status in relation to any cancer. Pathogenicity categories were based on literature curation. See Pubmed ID:23861362 for details.

Medical sequencing

Division of Human Genetics, Children's Hospital of Philadelphia
Classification: Uncertain significance for Arrhythmogenic right ventricular dysplasia 8. Last evaluated: 2015-01-08. Review status: no assertion criteria provided. Collection method: research. Allele origin: maternal. Affected: yes. Study: CSER-PediSeq. Not counted in ClinVar's aggregate classification.
Comment: The heterozygous variant in the DSP gene (c.3562T>C; p.Tyr1188His) is considered a variant of uncertain significance. This variant is located in a highly conserved amino acid position (to lizards) and in a moderately conserved nucleotide position. The amino acid change is non-conservative and not in a functional domain. The variant is not published in the literature but it was seen in 8 individuals in the ExAC dataset (out of 120632 alleles interrogated at this position).

Clinical Genetics DNA and cytogenetics Diagnostics Lab, Erasmus MC, Erasmus Medical Center
Classification: Uncertain significance. Review status: no assertion criteria provided. Collection method: clinical testing. Allele origin: germline. Affected: yes. Study: VKGL Data-share Consensus. Not counted in ClinVar's aggregate classification.

Clinical Genetics, Academic Medical Center
Classification: Uncertain significance. Review status: no assertion criteria provided. Collection method: clinical testing. Allele origin: germline. Affected: yes. Study: VKGL Data-share Consensus. Not counted in ClinVar's aggregate classification.

Diagnostic Laboratory, Department of Genetics, University Medical Center Groningen
Classification: Uncertain significance. Review status: no assertion criteria provided. Collection method: clinical testing. Allele origin: germline. Affected: yes. Study: VKGL Data-share Consensus. Not counted in ClinVar's aggregate classification.

Literature cited by the submitters: PubMed 30975432 (cited by 3 submitters); PubMed 31983221 (cited by 3 submitters); PubMed 36868229 (cited by 3 submitters); PubMed 23861362 (cited by Ambry Genetics); PubMed 27532257 (cited by Ambry Genetics and All of Us Research Program, National Institutes of Health); PubMed 30847666 (cited by Ambry Genetics and All of Us Research Program, National Institutes of Health); PubMed 34389451 (cited by All of Us Research Program, National Institutes of Health); PubMed 37589201 (cited by All of Us Research Program, National Institutes of Health).